The following is an entry in ClinVar:

NM_001130987.2(DYSF):c.3322CGC[2] (p.Arg1110_Arg1111del)

Gene: DYSF (dysferlin; plus strand). Cytogenetic location: 2p13.2.
Variant type: Microsatellite.
Coding change: c.3322CGC[2] on transcript NM_001130987.2 (MANE Select); two copies in a row of the 3-base unit CGC starting at c.3322; the reference has four copies in a row; two copies, 6 bases deleted.
Protein change: p.Arg1110_Arg1111del.
Molecular consequence: inframe deletion.
Genome position (GRCh38, 1-based): chr2:71,574,297-71,574,302, CGCCGC deleted; deleting any 6 consecutive bases within chr2:71,574,290-71,574,302 gives the same sequence; the position shown is the placement nearest the transcript's 3' end. VCF-style (leftmost placement, unchanged base first): chr2-71574289-TCCGCCG-T. GRCh37 (hg19) VCF-style: chr2-71801419-TCCGCCG-T.
Other names: c.3271CGC[2], p.Arg1093_Arg1094del (NM_001130455.2, NM_001130983.2); c.3226CGC[2], p.Arg1078_Arg1079del (NM_001130976.2, NM_001130977.2); c.3268CGC[2], p.Arg1092_Arg1093del (NM_001130978.2, NM_003494.4); c.3361CGC[2], p.Arg1123_Arg1124del (NM_001130979.2); c.3319CGC[2], p.Arg1109_Arg1110del (NM_001130980.2, NM_001130981.2); c.3364CGC[2], p.Arg1124_Arg1125del (NM_001130982.2); c.3229CGC[2], p.Arg1079_Arg1080del (NM_001130984.2, NM_001130986.2); c.3322CGC[2], p.Arg1110_Arg1111del (NM_001130985.2).
Identifiers: ClinVar variation 5004446 (VCV005004446.1).

ClinVar aggregate classification (germline): Uncertain significance (1 of 4 stars; one submission).

Conditions:
Autosomal recessive limb-girdle muscular dystrophy. Identifiers: Orphanet 102015, MedGen C2931907, MONDO:0015152.

Submission:

Myriad Genetics, Inc.
Classification: Uncertain significance for Autosomal recessive limb-girdle muscular dystrophy. Last evaluated: 2026-02-12. Review status: criteria provided, single submitter. Criteria: Myriad Autosomal Dominant, Autosomal Recessive and X-Linked Classification Criteria (2023). Collection method: clinical testing. Allele origin: unknown.
Comment: NM_003494.3(DYSF):c.3274_3279del6(R1092_R1093del) is an in-frame deletion classified as a variant of uncertain significance in the context of dysferlinopathy. R1092_R1093del has not been observed in cases with relevant disease. Relevant functional assessments of this variant are not available in the literature. R1092_R1093del has not been observed in referenced population frequency databases. In summary, there is insufficient evidence to classify NM_003494.3(DYSF):c.3274_3279del6(R1092_R1093del) as pathogenic or benign. Please note: this variant was assessed in the context of healthy population screening.